The following is an entry in ClinVar:

ClinVar aggregate classification (germline): Benign. Review status: criteria provided, multiple submitters, no conflicts (2 of 4 stars). 2 submissions from 2 submitters: Benign (2). Last evaluated 2018-01-12.

Conditions:
Mucopolysaccharidosis type 6 (MPS6). Also called: ARSB DEFICIENCY; ARYLSULFATASE B DEFICIENCY; MPS VI; N-ACETYLGALACTOSAMINE-4-SULFATASE DEFICIENCY; MPS 6; Maroteaux Lamy syndrome. Identifiers: Orphanet 583, MedGen C0026709, MONDO:0009661, OMIM 253200.

Allele frequency attached by ClinVar (database versions not stated): 1000 Genomes Project 0.73742; gnomAD exomes 0.74299; TOPMed 0.80791.
gnomAD v4.1: 121,444 of 152,444 alleles (80%); highest among the groups gnomAD compares: African/African-American, 94%; 49,210 homozygotes.

Submissions (2):

Illumina Laboratory Services, Illumina
Classification: Benign for Mucopolysaccharidosis type 6. Last evaluated: 2018-01-12. Review status: criteria provided, single submitter. Criteria: ICSL Variant Classification Criteria 13 December 2019. Collection method: clinical testing. Allele origin: germline.
Comment: This variant was observed in the ICSL laboratory as part of a predisposition screen in an ostensibly healthy population. It had not been previously curated by ICSL or reported in the Human Gene Mutation Database (HGMD: prior to June 1st, 2018), and was therefore a candidate for classification through an automated scoring system. Utilizing variant allele frequency, disease prevalence and penetrance estimates, and inheritance mode, an automated score was calculated to assess if this variant is too frequent to cause the disease. Based on the score and internal cut-off values, a variant classified as benign is not then subjected to further curation. The score for this variant resulted in a classification of benign for this disease.

Breakthrough Genomics
Classification: Benign. Review status: criteria provided, single submitter. Criteria: ACMG Guidelines, 2015. Collection method: not provided. Allele origin: germline. Inheritance: Autosomal recessive inheritance. Affected: yes.

NM_000046.5(ARSB):c.*2975G>T

Gene: ARSB (arylsulfatase B; minus strand). Cytogenetic location: 5q14.1.
Variant type: single nucleotide variant.
Coding change: c.*2975G>T on transcript NM_000046.5 (MANE Select); 2975 bases downstream of the stop codon, G replaced by T.
Molecular consequence: 3 prime UTR variant.
Genome position (GRCh38, 1-based): chr5:78,777,422, C>A on the plus strand (G>T on the coding strand, the complement: ARSB is on the minus strand). VCF-style: chr5-78777422-C-A. GRCh37 (hg19) VCF-style: chr5-78073245-C-A.
Identifiers: ClinVar variation 354262 (VCV000354262.6), dbSNP rs3088247, ClinGen allele CA10625055.